The following is an entry in ClinVar:

NM_014704.4(CEP104):c.928dup (p.Ala310fs)

Gene: CEP104 (centrosomal protein 104; minus strand). Cytogenetic location: 1p36.32.
Variant type: Duplication.
Coding change: c.928dup on transcript NM_014704.4 (MANE Select); coding-DNA position 928, one base duplicated (G; older notation c.928dupG).
Protein change: p.Ala310fs; shifts the reading frame from alanine 310.
Molecular consequence: frameshift variant.
Genome position (GRCh38, 1-based): chr1:3,837,483, C duplicated on the plus strand (G on the coding strand, the reverse complement: CEP104 is on the minus strand). VCF-style (leftmost placement, unchanged base first): chr1-3837482-G-GC. GRCh37 (hg19) VCF-style: chr1-3754046-G-GC.
Other names: short protein forms A310fs.
Identifiers: ClinVar variation 1723240 (VCV001723240.1), dbSNP rs2525456167, ClinGen allele CA2580062518.

ClinVar aggregate classification (germline): Likely pathogenic (1 of 4 stars; one submission).

Conditions:
Joubert syndrome and related disorders. Identifiers: Orphanet 140874, MedGen C5679612, MONDO:0015369.

Submission:

Women's Health and Genetics/Laboratory Corporation of America, LabCorp
Classification: Likely pathogenic for Joubert syndrome and related disorders. Last evaluated: 2022-10-05. Review status: criteria provided, single submitter. Criteria: LabCorp Variant Classification Summary - May 2015. Collection method: clinical testing. Allele origin: germline.
Comment: Variant summary: CEP104 c.928dupG (p.Ala310GlyfsX72) results in a premature termination codon, predicted to cause a truncation of the encoded protein or absence of the protein due to nonsense mediated decay, which are commonly known mechanisms for disease. Truncations downstream of this position have been classified as pathogenic by our laboratory. The variant was absent in 251422 control chromosomes (gnomAD). To our knowledge, no occurrence of c.928dupG in individuals affected with Joubert Syndrome And Related Disorders and no experimental evidence demonstrating its impact on protein function have been reported. No clinical diagnostic laboratories have submitted clinical-significance assessments for this variant to ClinVar after 2014. Based on the evidence outlined above, the variant was classified as likely pathogenic.